The following is an entry in ClinVar:

ClinVar aggregate classification (germline): Conflicting classifications of pathogenicity. Review status: criteria provided, conflicting classifications (1 of 4 stars). 5 submissions from 5 submitters: Uncertain significance (1); Benign (1); Likely benign (2). 1 of the submissions does not count toward it. Last evaluated 2026-01-24.

Conditions:
Inborn genetic diseases. Identifiers: MedGen C0950123, MeSH D030342.
TRIP11-related disorder. Also called: TRIP11-related condition; TRIP11-Related Disorders.
Achondrogenesis, type IA (ACG1A). Identifiers: Orphanet 932, Orphanet 93299, MedGen C0265273, MONDO:0008701, OMIM 200600.

Allele frequency attached by ClinVar (database versions not stated): gnomAD 0.00001 and 0.00031; TOPMed 0.00006; gnomAD exomes 0.00042 and 0.00080; ExAC 0.00090; 1000 Genomes Project 30x 0.00156; 1000 Genomes Project 0.00160.
gnomAD v4.1: 670 of 1,613,712 alleles (0.042%); highest among the groups gnomAD compares: South Asian, 0.7%; 6 homozygotes.

Submissions (5):

Labcorp Genetics (formerly Invitae), Labcorp
Classification: Benign for Achondrogenesis, type IA. Last evaluated: 2026-01-24. Review status: criteria provided, single submitter. Criteria: Invitae Variant Classification Sherloc (09022015). Collection method: clinical testing. Allele origin: germline.

Ambry Genetics
Classification: Uncertain significance for Inborn genetic diseases. Last evaluated: 2023-05-26. Review status: criteria provided, single submitter. Criteria: Ambry Variant Classification Scheme 2023. Collection method: clinical testing. Allele origin: germline.

Illumina Laboratory Services, Illumina
Classification: Likely benign for Achondrogenesis, type IA. Last evaluated: 2018-01-13. Review status: criteria provided, single submitter. Criteria: ICSL Variant Classification Criteria 13 December 2019. Collection method: clinical testing. Allele origin: germline.
Comment: This variant was observed in the ICSL laboratory as part of a predisposition screen in an ostensibly healthy population. It had not been previously curated by ICSL or reported in the Human Gene Mutation Database (HGMD: prior to June 1st, 2018), and was therefore a candidate for classification through an automated scoring system. Utilizing variant allele frequency, disease prevalence and penetrance estimates, and inheritance mode, an automated score was calculated to assess if this variant is too frequent to cause the disease. Based on the score and internal cut-off values, a variant classified as likely benign is not then subjected to further curation. The score for this variant resulted in a classification of likely benign for this disease.

Breakthrough Genomics
Classification: Likely benign. Review status: criteria provided, single submitter. Criteria: ACMG Guidelines, 2015. Collection method: not provided. Allele origin: germline. Inheritance: Autosomal recessive inheritance. Affected: yes.

PreventionGenetics, part of Exact Sciences
Classification: Likely benign for TRIP11-related condition. Last evaluated: 2019-07-30. Review status: no assertion criteria provided. Collection method: clinical testing. Allele origin: germline. Not counted in ClinVar's aggregate classification.
Comment: This variant is classified as likely benign based on ACMG/AMP sequence variant interpretation guidelines (Richards et al. 2015 PMID: 25741868, with internal and published modifications).

NM_004239.4(TRIP11):c.1432G>A (p.Ala478Thr)

Gene: TRIP11 (thyroid hormone receptor interactor 11; minus strand). Cytogenetic location: 14q32.12.
Variant type: single nucleotide variant.
Coding change: c.1432G>A on transcript NM_004239.4 (MANE Select); coding-DNA position 1432, G replaced by A.
Protein change: p.Ala478Thr; replaces alanine 478 with threonine.
Molecular consequence: missense variant.
Genome position (GRCh38, 1-based): chr14:92,007,735, C>T on the plus strand (G>A on the coding strand, the complement: TRIP11 is on the minus strand). VCF-style: chr14-92007735-C-T. GRCh37 (hg19) VCF-style: chr14-92474079-C-T.
Other names: c.1429G>A, p.Ala477Thr (NM_001321851.1); short protein forms A477T, A478T.
Identifiers: ClinVar variation 886506 (VCV000886506.16), dbSNP rs201112407, ClinGen allele CA7313934.
Genomic context (GRCh38, chr14:92,007,735, plus strand): 5'-CTATCTCAGCTATCAGTGTTTCCTTTTCACTAATACTCTGATTGAGTTCTTGTTCCTTTG[C>T]CTCCAAATTAAGTCTTAAGTCATGTAATTCTGAATCCAAACTTATGTCTCTTGTAGCTGT-3'
Protein context (NP_004230.2, residues 468-488): ELHDLRLNLE[Ala478Thr]KEQELNQSIS